The following is an entry in ClinVar:

NM_002335.4(LRP5):c.1177G>A (p.Glu393Lys)

Gene: LRP5 (LDL receptor related protein 5; plus strand). Cytogenetic location: 11q13.2.
Variant type: single nucleotide variant.
Coding change: c.1177G>A on transcript NM_002335.4 (MANE Select); coding-DNA position 1177, G replaced by A.
Protein change: p.Glu393Lys; replaces glutamic acid 393 with lysine.
Molecular consequence: missense variant. On other transcripts: 5 prime UTR variant (1).
Genome position (GRCh38, 1-based): chr11:68,386,477, G>A. VCF-style: chr11-68386477-G-A. GRCh37 (hg19) VCF-style: chr11-68153945-G-A.
Other names: c.1177G>A (NM_002335.2); c.-589G>A (NM_001291902.2); short protein forms E393K.
Identifiers: ClinVar variation 1039992 (VCV001039992.10), dbSNP rs1259585806, ClinGen allele CA381612401.

ClinVar aggregate classification (germline): Uncertain significance. Review status: criteria provided, multiple submitters, no conflicts (2 of 4 stars). 3 submissions from 3 submitters: Uncertain significance (3). Last evaluated 2025-03-31.

Allele frequency attached by ClinVar (database versions not stated): gnomAD exomes 0.00001 and below 0.00001; TOPMed 0.00001; gnomAD 0.00001.
gnomAD v4.1: 5 of 1,613,994 alleles (0.00031%); highest among the groups gnomAD compares: African/African-American, 0.0027%; no homozygotes.

Submissions (3):

GeneDx
Classification: Uncertain significance. Last evaluated: 2025-03-31. Review status: criteria provided, single submitter. Criteria: GeneDx Variant Classification Process June 2021. Collection method: clinical testing. Allele origin: germline. Affected: yes.
Comment: In silico analysis supports that this missense variant has a deleterious effect on protein structure/function; Has not been previously published as pathogenic or benign to our knowledge

Labcorp Genetics (formerly Invitae), Labcorp
Classification: Uncertain significance. Last evaluated: 2024-10-15. Review status: criteria provided, single submitter. Criteria: Invitae Variant Classification Sherloc (09022015). Collection method: clinical testing. Allele origin: germline.
Comment: This sequence change replaces glutamic acid, which is acidic and polar, with lysine, which is basic and polar, at codon 393 of the LRP5 protein (p.Glu393Lys). This variant is present in population databases (no rsID available, gnomAD 0.005%). This variant has not been reported in the literature in individuals affected with LRP5-related conditions. ClinVar contains an entry for this variant (Variation ID: 1039992). Invitae Evidence Modeling of protein sequence and biophysical properties (such as structural, functional, and spatial information, amino acid conservation, physicochemical variation, residue mobility, and thermodynamic stability) has been performed for this missense variant. However, the output from this modeling did not meet the statistical confidence thresholds required to predict the impact of this variant on LRP5 protein function. In summary, the available evidence is currently insufficient to determine the role of this variant in disease. Therefore, it has been classified as a Variant of Uncertain Significance.

Blueprint Genetics
Classification: Uncertain significance. Last evaluated: 2020-04-23. Review status: criteria provided, single submitter. Criteria: ACMG Guidelines, 2015. Collection method: clinical testing. Allele origin: germline.